The following is an entry in ClinVar:

NM_000038.6(APC):c.5403T>A (p.Ala1801=)

Gene: APC (APC regulator of Wnt signaling pathway; plus strand). Cytogenetic location: 5q22.2.
Variant type: single nucleotide variant.
Coding change: c.5403T>A on transcript NM_000038.6 (MANE Select); coding-DNA position 5403, T replaced by A.
Protein change: p.Ala1801=; no amino-acid change (alanine 1801 retained).
Molecular consequence: synonymous variant. On other transcripts: non-coding transcript variant (2).
Genome position (GRCh38, 1-based): chr5:112,840,997, T>A. VCF-style: chr5-112840997-T-A. GRCh37 (hg19) VCF-style: chr5-112176694-T-A.
Other names: c.5100T>A, p.Ala1700= (NM_001407460.1, NM_001407459.1, NM_001354903.2 and 1 more transcripts); c.4554T>A, p.Ala1518= (NM_001407470.1, NM_001354906.2); c.4251T>A, p.Ala1417= (NM_001407471.1, NM_001407472.1); c.5016T>A, p.Ala1672= (NM_001407467.1, NM_001407469.1); c.5226T>A, p.Ala1742= (NM_001354901.2, NM_001407453.1); c.5130T>A, p.Ala1710= (NM_001354902.2); c.5025T>A, p.Ala1675= (NM_001354904.2); c.4923T>A, p.Ala1641= (NM_001354905.2); and 11 more.
Identifiers: ClinVar variation 3254175 (VCV003254175.1), dbSNP rs750936426.
Genomic context (GRCh38, chr5:112,840,997, plus strand): 5'-AAATACTGAATATAGGACACGTGTAAGAAAAAATGCAGACTCAAAAAATAATTTAAATGC[T>A]GAGAGAGTTTTCTCAGACAACAAAGATTCAAAGAAACAGAATTTGAAAAATAATTCCAAG-3'
Protein context (NP_000029.2, residues 1791-1811): KNADSKNNLN[Ala1801=]ERVFSDNKDS

ClinVar aggregate classification (germline): Benign (1 of 4 stars; one submission).

Conditions:
Familial adenomatous polyposis 1 (FAP1). Also called: FAMILIAL ADENOMATOUS POLYPOSIS 1, ATTENUATED; POLYPOSIS, ADENOMATOUS INTESTINAL. Identifiers: MedGen C2713442, MONDO:0021056, OMIM 175100. Disease mechanism: loss of function.

Submission:

Myriad Genetics, Inc.
Classification: Benign for Familial adenomatous polyposis 1. Last evaluated: 2024-04-02. Review status: criteria provided, single submitter. Criteria: Myriad Autosomal Dominant, Autosomal Recessive and X-Linked Classification Criteria (2023). Collection method: clinical testing. Allele origin: unknown.
Comment: This variant is considered benign. This variant is a silent/synonymous amino acid change and it is not expected to impact splicing.